The following is an entry in ClinVar:

NM_001388303.1(HECTD4):c.6984A>G (p.Ala2328=)

Gene: HECTD4 (HECT domain E3 ubiquitin protein ligase 4; minus strand). Cytogenetic location: 12q24.13.
Variant type: single nucleotide variant.
Coding change: c.6984A>G on transcript NM_001388303.1 (MANE Select); coding-DNA position 6984, A replaced by G.
Protein change: p.Ala2328=; no amino-acid change (alanine 2328 retained).
Molecular consequence: synonymous variant.
Genome position (GRCh38, 1-based): chr12:112,219,476, T>C on the plus strand (A>G on the coding strand, the complement: HECTD4 is on the minus strand). VCF-style: chr12-112219476-T-C. GRCh37 (hg19) VCF-style: chr12-112657280-T-C.
Other names: c.7014A>G, p.Ala2338= (NM_001109662.4).
Identifiers: ClinVar variation 2643337 (VCV002643337.24), dbSNP rs61748915, ClinGen allele CA6796917.

ClinVar aggregate classification (germline): Likely benign (1 of 4 stars; one submission).

Allele frequency attached by ClinVar (database versions not stated): 1000 Genomes Project 0.00120; TOPMed 0.00122; 1000 Genomes Project 30x 0.00125; ESP Exome Variant Server 0.00217; gnomAD 0.00230.
gnomAD v4.1: 3,631 of 1,613,304 alleles (0.23%); highest among the groups gnomAD compares: Non-Finnish European, 0.23%; 12 homozygotes.

Submission:

CeGaT Center for Human Genetics Tuebingen
Classification: Likely benign. Last evaluated: 2024-08-01. Review status: criteria provided, single submitter. Criteria: CeGaT Center For Human Genetics Tuebingen Variant Classification Criteria Version 2. Collection method: clinical testing. Allele origin: germline. Affected: yes. Observed: 2 variant alleles.
Comment: HECTD4: BP4, BP7